The following is an entry in ClinVar:

NM_201384.3(PLEC):c.1786C>T (p.Arg596Trp)

Gene: PLEC (plectin; minus strand). Cytogenetic location: 8q24.3.
Variant type: single nucleotide variant.
Coding change: c.1786C>T on transcript NM_201384.3 (MANE Select); coding-DNA position 1786, C replaced by T.
Protein change: p.Arg596Trp; replaces arginine 596 with tryptophan.
Molecular consequence: missense variant.
Genome position (GRCh38, 1-based): chr8:143,932,664, G>A on the plus strand (C>T on the coding strand, the complement: PLEC is on the minus strand). VCF-style: chr8-143932664-G-A. GRCh37 (hg19) VCF-style: chr8-145006832-G-A.
Other names: c.1867C>T, p.Arg623Trp (NM_000445.5); c.1744C>T, p.Arg582Trp (NM_201378.4); c.1720C>T, p.Arg574Trp (NM_201379.3); c.2197C>T, p.Arg733Trp (NM_201380.4); c.1690C>T, p.Arg564Trp (NM_201381.3); c.1786C>T, p.Arg596Trp (NM_201382.4); c.1798C>T, p.Arg600Trp (NM_201383.3); short protein forms R623W, R600W, R733W, R564W, R582W, R574W, R596W.
Identifiers: ClinVar variation 478591 (VCV000478591.5), dbSNP rs556691235, ClinGen allele CA4927856.
Genomic context (GRCh38, chr8:143,932,664, plus strand): 5'-ACCTCCCCCGGCTGGCCCTGCCCCCACTCACCAGCAGCTTGGCGTACTGCAGGTCCAGCC[G>A]ACCCAGGCAGTCACGGTAGGCACCCCGGGTGGCGGGGGAGAGCTGGCCCTGCAACAGATG-3'
Protein context (NP_958786.1, residues 586-606): TRGAYRDCLG[Arg596Trp]LDLQYAKLLN

ClinVar aggregate classification (germline): Uncertain significance (1 of 4 stars; one submission).

Conditions:
Epidermolysis bullosa simplex with nail dystrophy (EBS5D). Identifiers: MedGen C4225309, MONDO:0014661, OMIM 616487.
Epidermolysis bullosa simplex, Ogna type (EBS5A). Also called: Pidermolysis bullosa simplex 5A, Ogna type; EPIDERMOLYSIS BULLOSA SIMPLEX 5A, OGNA TYPE. Identifiers: Orphanet 79401, MedGen C0432317, MONDO:0007555, OMIM 131950.
Autosomal recessive limb-girdle muscular dystrophy type 2Q (LGMDR17). Also called: MUSCULAR DYSTROPHY, LIMB-GIRDLE, AUTOSOMAL RECESSIVE 17. Identifiers: Orphanet 254361, MedGen C3150989, MONDO:0013390, OMIM 613723.
Epidermolysis bullosa simplex 5C, with pyloric atresia (EBS5C). Also called: PLEC-Related Epidermolysis Bullosa with Pyloric Atresia; Epidermolysis bullosa simplex with pyloric atresia; PLEC1-Related Epidermolysis Bullosa with Pyloric Atresia. Identifiers: Orphanet 158684, MedGen C2677349, MONDO:0012807, OMIM 612138.
Epidermolysis bullosa simplex 5B, with muscular dystrophy (EBS5B). Also called: EPIDERMOLYSIS BULLOSA SIMPLEX AND LIMB-GIRDLE MUSCULAR DYSTROPHY; Epidermolysis bullosa simplex with muscular dystrophy. Identifiers: Orphanet 257, MedGen C2931072, MONDO:0009181, OMIM 226670.

Allele frequency attached by ClinVar (database versions not stated): TOPMed below 0.00001; gnomAD 0.00001.
gnomAD v4.1: 14 of 1,610,562 alleles (0.00087%); highest among the groups gnomAD compares: East Asian, 0.0089%; no homozygotes.

Submission:

Labcorp Genetics (formerly Invitae), Labcorp
Classification: Uncertain significance for Autosomal recessive limb-girdle muscular dystrophy type 2Q; Epidermolysis bullosa simplex, Ogna type; Epidermolysis bullosa simplex with nail dystrophy; Epidermolysis bullosa simplex 5C, with pyloric atresia; Epidermolysis bullosa simplex 5B, with muscular dystrophy. Last evaluated: 2024-11-12. Review status: criteria provided, single submitter. Criteria: Invitae Variant Classification Sherloc (09022015). Collection method: clinical testing. Allele origin: germline.
Comment: This sequence change replaces arginine, which is basic and polar, with tryptophan, which is neutral and slightly polar, at codon 623 of the PLEC protein (p.Arg623Trp). This variant is present in population databases (rs556691235, gnomAD 0.02%). This variant has not been reported in the literature in individuals affected with PLEC-related conditions. ClinVar contains an entry for this variant (Variation ID: 478591). Invitae Evidence Modeling of protein sequence and biophysical properties (such as structural, functional, and spatial information, amino acid conservation, physicochemical variation, residue mobility, and thermodynamic stability) indicates that this missense variant is not expected to disrupt PLEC protein function with a negative predictive value of 80%. In summary, the available evidence is currently insufficient to determine the role of this variant in disease. Therefore, it has been classified as a Variant of Uncertain Significance.